The following is an entry in ClinVar:

ClinVar aggregate classification (germline): Uncertain significance. Review status: criteria provided, multiple submitters, no conflicts (2 of 4 stars). 2 submissions from 2 submitters: Uncertain significance (2). Last evaluated 2025-07-20.

Conditions:
DICER1-related tumor predisposition. Also called: DICER1 syndrome; DICER1-related pleuropulmonary blastoma cancer predisposition syndrome. Identifiers: Orphanet 284343, MedGen C3839822, MONDO:0100216.
Hereditary cancer-predisposing syndrome. Also called: Neoplastic Syndromes, Hereditary; Hereditary neoplastic syndrome; Hereditary Cancer Syndrome; Tumor predisposition. Identifiers: Orphanet 140162, MedGen C0027672, MeSH D009386, MONDO:0015356.

Submissions (2):

Labcorp Genetics (formerly Invitae), Labcorp
Classification: Uncertain significance for DICER1-related tumor predisposition. Last evaluated: 2025-07-20. Review status: criteria provided, single submitter. Criteria: Invitae Variant Classification Sherloc (09022015). Collection method: clinical testing. Allele origin: germline.
Comment: This sequence change replaces asparagine, which is neutral and polar, with aspartic acid, which is acidic and polar, at codon 1181 of the DICER1 protein (p.Asn1181Asp). This variant is not present in population databases (gnomAD no frequency). This variant has not been reported in the literature in individuals affected with DICER1-related conditions. ClinVar contains an entry for this variant (Variation ID: 654388). Invitae Evidence Modeling of protein sequence and biophysical properties (such as structural, functional, and spatial information, amino acid conservation, physicochemical variation, residue mobility, and thermodynamic stability) indicates that this missense variant is not expected to disrupt DICER1 protein function with a negative predictive value of 95%. In summary, the available evidence is currently insufficient to determine the role of this variant in disease. Therefore, it has been classified as a Variant of Uncertain Significance.

Ambry Genetics
Classification: Uncertain significance for Hereditary cancer-predisposing syndrome. Last evaluated: 2024-11-30. Review status: criteria provided, single submitter. Criteria: Ambry Variant Classification Scheme 2023. Collection method: clinical testing. Allele origin: germline.
Comment: The p.N1181D variant (also known as c.3541A>G), located in coding exon 20 of the DICER1 gene, results from an A to G substitution at nucleotide position 3541. The asparagine at codon 1181 is replaced by aspartic acid, an amino acid with highly similar properties. This amino acid position is conserved. In addition, this alteration is predicted to be tolerated by in silico analysis. Based on the available evidence, the clinical significance of this variant remains unclear.

NM_177438.3(DICER1):c.3541A>G (p.Asn1181Asp)

Gene: DICER1 (dicer 1, ribonuclease III; minus strand). Cytogenetic location: 14q32.13.
Variant type: single nucleotide variant.
Coding change: c.3541A>G on transcript NM_177438.3 (MANE Select); coding-DNA position 3541, A replaced by G.
Protein change: p.Asn1181Asp; replaces asparagine 1181 with aspartic acid.
Molecular consequence: missense variant.
Genome position (GRCh38, 1-based): chr14:95,103,855, T>C on the plus strand (A>G on the coding strand, the complement: DICER1 is on the minus strand). VCF-style: chr14-95103855-T-C. GRCh37 (hg19) VCF-style: chr14-95570192-T-C.
Other names: c.3541A>G, p.Asn1181Asp (NM_001291628.2, NM_030621.4, NM_001195573.1 and 1 more transcripts); short protein forms N1181D.
Identifiers: ClinVar variation 654388 (VCV000654388.11), dbSNP rs1595366194, ClinGen allele CA390875009.